The following is an entry in ClinVar:

ClinVar aggregate classification (germline): Benign/Likely benign. Review status: criteria provided, multiple submitters, no conflicts (2 of 4 stars). 4 submissions from 4 submitters: Benign (1); Likely benign (2). 1 of the submissions does not count toward it. Last evaluated 2026-06-01.

Conditions:
C6-related disorder. Also called: C6-related condition.

Allele frequency attached by ClinVar (database versions not stated): gnomAD exomes 0.00023 and 0.00094; ExAC 0.00034; 1000 Genomes Project 30x 0.00125; 1000 Genomes Project 0.00160; gnomAD 0.00203 and 0.00210; TOPMed 0.00225.
gnomAD v4.1: 643 of 1,613,460 alleles (0.04%); highest among the groups gnomAD compares: Admixed American, 1%; 13 homozygotes.

Submissions (4):

CeGaT Center for Human Genetics Tuebingen
Classification: Benign. Last evaluated: 2026-06-01. Review status: criteria provided, single submitter. Criteria: CeGaT Center For Human Genetics Tuebingen Variant Classification Criteria Version 2. Collection method: clinical testing. Allele origin: germline. Affected: yes. Observed: 1 variant allele.
Comment: C6: BP4, BS1, BS2

Labcorp Genetics (formerly Invitae), Labcorp
Classification: Likely benign. Last evaluated: 2026-01-19. Review status: criteria provided, single submitter. Criteria: Invitae Variant Classification Sherloc (09022015). Collection method: clinical testing. Allele origin: germline.

Breakthrough Genomics
Classification: Likely benign. Review status: criteria provided, single submitter. Criteria: ACMG Guidelines, 2015. Collection method: not provided. Allele origin: germline. Inheritance: Autosomal recessive inheritance. Affected: yes.

PreventionGenetics, part of Exact Sciences
Classification: Likely benign for C6-related condition. Last evaluated: 2020-06-30. Review status: no assertion criteria provided. Collection method: clinical testing. Allele origin: germline. Not counted in ClinVar's aggregate classification.
Comment: This variant is classified as likely benign based on ACMG/AMP sequence variant interpretation guidelines (Richards et al. 2015 PMID: 25741868, with internal and published modifications).

NM_000065.5(C6):c.755C>T (p.Thr252Ile)

Gene: C6 (complement C6; minus strand). Cytogenetic location: 5p13.1.
Variant type: single nucleotide variant.
Coding change: c.755C>T on transcript NM_000065.5 (MANE Select); coding-DNA position 755, C replaced by T.
Protein change: p.Thr252Ile; replaces threonine 252 with isoleucine.
Molecular consequence: missense variant.
Genome position (GRCh38, 1-based): chr5:41,181,531, G>A on the plus strand (C>T on the coding strand, the complement: C6 is on the minus strand). VCF-style: chr5-41181531-G-A. GRCh37 (hg19) VCF-style: chr5-41181633-G-A.
Other names: c.755C>T, p.Thr252Ile (NM_001115131.4); short protein forms T252I.
Identifiers: ClinVar variation 782697 (VCV000782697.14), dbSNP rs189209342, ClinGen allele CA3252661.
Genomic context (GRCh38, chr5:41,181,531, plus strand): 5'-GAGAATGAGCCTTGTTGATTTTCATTGTGTCCAAGAGAAGTTAAATCCTTGTAGAAATCT[G>A]TTTTCAAGTCATCTTCTGCAGTTTGTACCTGGAGAAAAATCCATGTAAAATAAAATATAA-3'
Protein context (NP_000056.2, residues 242-262): EVQTAEDDLK[Thr252Ile]DFYKDLTSLG